The following is an entry in ClinVar:

ClinVar aggregate classification (germline): Likely pathogenic. Review status: criteria provided, multiple submitters, no conflicts (2 of 4 stars). 3 submissions from 3 submitters: Likely pathogenic (2). 1 of the submissions does not count toward it. Last evaluated 2025-03-24.

Conditions:
Nemaline myopathy 2 (NEM2). Also called: Nemaline myopathy 2, autosomal recessive. Identifiers: MedGen C1850569, MONDO:0009725, OMIM 256030.
Arthrogryposis multiplex congenita 6. Identifiers: MedGen C5543431, MONDO:0030281, OMIM 619334.
Nemaline myopathy. Also called: Myopathies, Nemaline. Identifiers: Orphanet 607, MedGen C0206157, MONDO:0018958.

Allele frequency attached by ClinVar (database versions not stated): gnomAD 0.00001; gnomAD exomes below 0.00001; TOPMed below 0.00001.

Submissions (3):

Broad Center for Mendelian Genomics, Broad Institute of MIT and Harvard
Classification: Likely pathogenic for Nemaline myopathy. Last evaluated: 2025-03-24. Review status: criteria provided, single submitter. Criteria: ACMG Guidelines, 2015. Collection method: curation. Allele origin: germline. Inheritance: Autosomal recessive inheritance.
Comment: The c.1470+2dup variant in NEB has not been previously reported in individuals with nemaline myopathy, but has been identified in 0.001% (1/74736) of African/African American chromosomes by the Genome Aggregation Database (gnomAD; dbSNP ID: rs1477702016). Although this variant has been seen in the general population in a heterozygous state, its frequency is low enough to be consistent with a recessive carrier frequency. This variant has also been reported in ClinVar (Variation ID: 554453) and has been interpreted as likely pathogenic by Baylor Genetics and a variant of uncertain significance by Counsyl. This variant is located in the 5' splice region. Computational tools predict a splicing impact, though this information is not predictive enough to determine pathogenicity. This variant is adjacent to an in-frame exon and may escape nonsense mediated decay (NMD) and result in a truncated protein. One additional likely pathogenic variant, predicted to induce the same splicing effect as this variant, have been reported in ClinVar as being associated with nemaline myopathy, supporting that the c.1470+2dup variant may be pathogenic (Variation ID: 556868). In summary, although additional studies are required to fully establish its clinical significance, this variant is likely pathogenic for autosomal recessive nemaline myopathy. ACMG/AMP Criteria applied: PS1, PP3, PM2_supporting (Richards 2015).

Baylor Genetics
Classification: Likely pathogenic for Arthrogryposis multiplex congenita 6. Last evaluated: 2023-06-16. Review status: criteria provided, single submitter. Criteria: ACMG Guidelines, 2015. Collection method: clinical testing. Allele origin: unknown.

Counsyl
Classification: Uncertain significance for Nemaline myopathy 2. Last evaluated: 2017-10-19. Review status: no assertion criteria provided. Collection method: clinical testing. Allele origin: unknown. Not counted in ClinVar's aggregate classification.

NM_001164508.2(NEB):c.1470+2dup

Gene: NEB (nebulin; minus strand). Cytogenetic location: 2q23.3.
Variant type: Duplication.
Coding change: c.1470+2dup on transcript NM_001164508.2 (MANE Select); the canonical splice donor site of the intron after coding-DNA position 1470, one base duplicated (T; older notation c.1470+2dupT).
Molecular consequence: splice donor variant.
Genome position (GRCh38, 1-based): chr2:151,697,146, A duplicated on the plus strand (T on the coding strand, the reverse complement: NEB is on the minus strand). VCF-style (leftmost placement, unchanged base first): chr2-151697145-T-TA. GRCh37 (hg19) VCF-style: chr2-152553659-T-TA.
Other names: c.1470+2dup (NM_004543.5, NM_001164507.2, NM_001271208.2 and 1 more transcripts); c.1470+2dupT (NM_001271208.1).
Identifiers: ClinVar variation 554453 (VCV000554453.4), dbSNP rs1477702016, ClinGen allele CA658823146.
Genomic context (GRCh38, chr2:151,697,145, plus strand): 5'-CATATCCTGACCACTAGATGCTATGGAAGGCAGTCACATTCAAAGTTCAGACTACAGACT[T>TA]ACGTCTTTACACTGATCTAGTTTCTTAATTGCTTCATATTCTTGAGTTATGGTCTGAGGG-3'